The following is an entry in ClinVar:

NM_000169.3(GLA):c.640-136T>C

Genes: GLA (galactosidase alpha; minus strand), RPL36A-HNRNPH2 (RPL36A-HNRNPH2 readthrough; plus strand). Cytogenetic location: Xq22.1.
Variant type: single nucleotide variant.
Coding change: c.640-136T>C on transcript NM_000169.3 (MANE Select); 136 bases into the intron before coding-DNA position 640, T replaced by C.
Molecular consequence: intron variant.
Genome position (GRCh38, 1-based): chrX:101,399,082, A>G on the plus strand (T>C on the coding strand, the complement: GLA is on the minus strand). VCF-style: chrX-101399082-A-G. GRCh37 (hg19) VCF-style: chrX-100654070-A-G.
Other names: c.300+3625A>G (NM_001199973.2); c.177+7260A>G (NM_001199974.2); c.763-136T>C (NM_001406747.1); c.640-136T>C (NM_001406748.1).
Identifiers: ClinVar variation 674581 (VCV000674581.2), dbSNP rs3027592, ClinGen allele CA333093460.

ClinVar aggregate classification (germline): Benign. Review status: criteria provided, multiple submitters, no conflicts (2 of 4 stars). 2 submissions from 2 submitters: Benign (2). Last evaluated 2018-06-19.

Allele frequency attached by ClinVar (database versions not stated): gnomAD exomes 0.04596; gnomAD 0.06552 and 0.06613; TOPMed 0.07621; 1000 Genomes Project 0.09748; 1000 Genomes Project 30x 0.10239.
gnomAD v4.1: 27,147 of 541,875 alleles (5%); highest among the groups gnomAD compares: African/African-American, 14%; 816 homozygotes.

Submissions (2):

GeneDx
Classification: Benign. Last evaluated: 2018-06-19. Review status: criteria provided, single submitter. Criteria: GeneDx Variant Classification (06012015). Collection method: clinical testing. Allele origin: germline. Affected: yes.
Comment: This variant is considered likely benign or benign based on one or more of the following criteria: it is a conservative change, it occurs at a poorly conserved position in the protein, it is predicted to be benign by multiple in silico algorithms, and/or has population frequency not consistent with disease.

Breakthrough Genomics
Classification: Benign. Review status: criteria provided, single submitter. Criteria: ACMG Guidelines, 2015. Collection method: not provided. Allele origin: germline. Inheritance: X-linked inheritance. Affected: yes.